The following is an entry in ClinVar:

ClinVar aggregate classification (germline): Uncertain significance (1 of 4 stars; one submission).

Conditions:
Christianson syndrome (MRXSCH). Also called: X-linked mental retardation, syndromic, Christianson type; INTELLECTUAL DEVELOPMENTAL DISORDER, X-LINKED, SYNDROMIC, CHRISTIANSON TYPE; SLC9A6-Related Syndromic Mental Retardation. Identifiers: Orphanet 85278, MedGen C2678194, MONDO:0010278, OMIM 300243.

Submission:

Labcorp Genetics (formerly Invitae), Labcorp
Classification: Uncertain significance for Christianson syndrome. Last evaluated: 2024-06-17. Review status: criteria provided, single submitter. Criteria: Invitae Variant Classification Sherloc (09022015). Collection method: clinical testing. Allele origin: germline.
Comment: This sequence change replaces valine, which is neutral and non-polar, with phenylalanine, which is neutral and non-polar, at codon 122 of the SLC9A6 protein (p.Val122Phe). This variant is not present in population databases (gnomAD no frequency). This variant has not been reported in the literature in individuals affected with SLC9A6-related conditions. Advanced modeling of protein sequence and biophysical properties (such as structural, functional, and spatial information, amino acid conservation, physicochemical variation, residue mobility, and thermodynamic stability) performed at Invitae indicates that this missense variant is not expected to disrupt SLC9A6 protein function with a negative predictive value of 80%. In summary, the available evidence is currently insufficient to determine the role of this variant in disease. Therefore, it has been classified as a Variant of Uncertain Significance.

NM_001379110.1(SLC9A6):c.208G>T (p.Val70Phe)

Gene: SLC9A6 (solute carrier family 9 member A6; plus strand). Cytogenetic location: Xq26.3.
Variant type: single nucleotide variant.
Coding change: c.208G>T on transcript NM_001379110.1 (MANE Select); coding-DNA position 208, G replaced by T.
Protein change: p.Val70Phe; replaces valine 70 with phenylalanine.
Molecular consequence: missense variant.
Genome position (GRCh38, 1-based): chrX:135,994,824, G>T. VCF-style: chrX-135994824-G-T. GRCh37 (hg19) VCF-style: chrX-135076983-G-T.
Other names: c.364G>T, p.Val122Phe (NM_001042537.2, NM_006359.3); c.208G>T, p.Val70Phe (NM_001177651.2, NM_001330652.2, NM_001400909.1 and 4 more transcripts); short protein forms V122F, V70F.
Identifiers: ClinVar variation 2705412 (VCV002705412.3), dbSNP rs1315183165, ClinGen allele CA414748569.